The following is an entry in ClinVar:

NM_016239.4(MYO15A):c.5804G>T (p.Arg1935Leu)

Gene: MYO15A (myosin XVA; plus strand). Cytogenetic location: 17p11.2.
Variant type: single nucleotide variant.
Coding change: c.5804G>T on transcript NM_016239.4 (MANE Select); coding-DNA position 5804, G replaced by T.
Protein change: p.Arg1935Leu; replaces arginine 1935 with leucine.
Molecular consequence: missense variant.
Genome position (GRCh38, 1-based): chr17:18,142,233, G>T. VCF-style: chr17-18142233-G-T. GRCh37 (hg19) VCF-style: chr17-18045547-G-T.
Other names: short protein forms R1935L.
Identifiers: ClinVar variation 228960 (VCV000228960.4), dbSNP rs876657900, ClinGen allele CA10577020.

ClinVar aggregate classification (germline): Uncertain significance (1 of 4 stars; one submission).

gnomAD v4.1: 3 of 1,612,844 alleles (0.00019%); highest among the groups gnomAD compares: Non-Finnish European, 0.00025%; no homozygotes.

Submission:

Laboratory for Molecular Medicine, Mass General Brigham Personalized Medicine
Classification: Uncertain significance. Last evaluated: 2015-06-22. Review status: criteria provided, single submitter. Criteria: LMM Criteria. Collection method: clinical testing. Allele origin: germline. Observed: 1 variant allele.
Comment: The p.Arg1935Leu variant in MYO15A has not been previously reported in individua ls with hearing loss and was absent from large population studies. The arginine (Arg) at position 1935 is not conserved in mammals or evolutionarily distant spe cies and 1 mammal (opossum) carries a leucine (Leu) at this position, raising th e possibility that this change may be tolerated. Additional computational predic tion tools do not provide strong support for or against an impact to the protein . In summary, the clinical significance of the p.Arg1935Leu variant is uncertain .